The following is an entry in ClinVar:

NM_000448.3(RAG1):c.404dup (p.Gly135_Lys136insTer)

Gene: RAG1 (recombination activating 1; plus strand). Cytogenetic location: 11p12.
Variant type: Duplication.
Coding change: c.404dup on transcript NM_000448.3 (MANE Select); coding-DNA position 404, one base duplicated (G; older notation c.404dupG).
Protein change: p.Gly135_Lys136insTer.
Molecular consequence: frameshift variant.
Genome position (GRCh38, 1-based): chr11:36,573,708, G duplicated; the last of 2 consecutive G bases (chr11:36,573,707-36,573,708); duplicating either gives the same sequence. VCF-style (leftmost placement, unchanged base first): chr11-36573706-T-TG. GRCh37 (hg19) VCF-style: chr11-36595256-T-TG.
Other names: c.404dup, p.Gly135_Lys136insTer (NM_001377277.1, NM_001377278.1, NM_001377279.1 and 1 more transcripts).
Identifiers: ClinVar variation 2942418 (VCV002942418.3), dbSNP rs2494751587, ClinGen allele CA2613150094.

ClinVar aggregate classification (germline): Pathogenic (1 of 4 stars; one submission).

Conditions:
Severe combined immunodeficiency, autosomal recessive, T cell-negative, B cell-negative, NK cell-positive. Also called: SCID, T CELL-NEGATIVE, B CELL-NEGATIVE, NK CELL-POSITIVE; SCID, AR, T-cell negative, B-cell negative, NK cell-positive; Severe combined immunodeficiency due to complete RAG1/2 deficiency. Identifiers: Orphanet 331206, MedGen C1832322, MONDO:0011086, OMIM 601457.
Combined immunodeficiency with skin granulomas. Identifiers: Orphanet 157949, MedGen C2673536, MONDO:0009306, OMIM 233650.

Submission:

Labcorp Genetics (formerly Invitae), Labcorp
Classification: Pathogenic for Combined immunodeficiency with skin granulomas; Severe combined immunodeficiency, autosomal recessive, T cell-negative, B cell-negative, NK cell-positive. Last evaluated: 2022-12-19. Review status: criteria provided, single submitter. Criteria: Invitae Variant Classification Sherloc (09022015). Collection method: clinical testing. Allele origin: germline.
Comment: This variant has not been reported in the literature in individuals affected with RAG1-related conditions. This variant disrupts a region of the RAG1 protein in which other variant(s) (p.His994Arg) have been determined to be pathogenic (PMID: 33193364; Invitae). This suggests that this is a clinically significant region of the protein, and that variants that disrupt it are likely to be disease-causing. For these reasons, this variant has been classified as Pathogenic. This variant is not present in population databases (gnomAD no frequency). This sequence change creates a premature translational stop signal (p.Lys136*) in the RAG1 gene. While this is not anticipated to result in nonsense mediated decay, it is expected to disrupt the last 908 amino acid(s) of the RAG1 protein.

Literature cited by the submitters: PubMed 33193364.